The following is an entry in ClinVar:

ClinVar aggregate classification (germline): Uncertain significance (1 of 4 stars; one submission).

Conditions:
Hereditary cancer-predisposing syndrome. Also called: Neoplastic Syndromes, Hereditary; Tumor predisposition; Hereditary neoplastic syndrome; Hereditary Cancer Syndrome. Identifiers: Orphanet 140162, MedGen C0027672, MeSH D009386, MONDO:0015356.

Submission:

Ambry Genetics
Classification: Uncertain significance for Hereditary cancer-predisposing syndrome. Last evaluated: 2026-07-01. Review status: criteria provided, single submitter. Criteria: Ambry Variant Classification Scheme 2023. Collection method: clinical testing. Allele origin: germline.
Comment: The p.N146T variant (also known as c.437A>C), located in coding exon 4 of the RB1 gene, results from an A to C substitution at nucleotide position 437. The asparagine at codon 146 is replaced by threonine, an amino acid with similar properties. This amino acid position is conserved. In addition, this alteration is predicted to be tolerated by in silico analysis. Based on the available evidence, the clinical significance of this variant remains unclear.

NM_000321.3(RB1):c.437A>C (p.Asn146Thr)

Gene: RB1 (RB transcriptional corepressor 1; plus strand). Cytogenetic location: 13q14.2.
Variant type: single nucleotide variant.
Coding change: c.437A>C on transcript NM_000321.3 (MANE Select); coding-DNA position 437, A replaced by C.
Protein change: p.Asn146Thr; replaces asparagine 146 with threonine.
Molecular consequence: missense variant.
Genome position (GRCh38, 1-based): chr13:48,345,136, A>C. VCF-style: chr13-48345136-A-C. GRCh37 (hg19) VCF-style: chr13-48919272-A-C.
Other names: c.437A>C, p.Asn146Thr (NM_001407165.1, NM_001407166.1); short protein forms N146T.
Identifiers: ClinVar variation 5027922 (VCV005027922.1).